The following is an entry in ClinVar:

NM_000199.5(SGSH):c.323C>T (p.Pro108Leu)

Gene: SGSH (N-sulfoglucosamine sulfohydrolase; minus strand). Cytogenetic location: 17q25.3.
Variant type: single nucleotide variant.
Coding change: c.323C>T on transcript NM_000199.5 (MANE Select); coding-DNA position 323, C replaced by T.
Protein change: p.Pro108Leu; replaces proline 108 with leucine.
Molecular consequence: missense variant.
Genome position (GRCh38, 1-based): chr17:80,215,065, G>A on the plus strand (C>T on the coding strand, the complement: SGSH is on the minus strand). VCF-style: chr17-80215065-G-A. GRCh37 (hg19) VCF-style: chr17-78188864-G-A.
Other names: c.323C>T, p.Pro108Leu (NM_001352921.3, NM_001352922.2); short protein forms P108L.
Identifiers: ClinVar variation 2830436 (VCV002830436.1), dbSNP rs762164487, ClinGen allele CA8818084.
Genomic context (GRCh38, chr17:80,215,065, plus strand): 5'-CGCCCTGTCCTCGGCACGGGGTCCTCACCTGTGCGCACACCAGCTTGGCTGAGCAGCAGC[G>A]GCAGGCTCCGCACCTTGTCGAAGGAGTTGAAGTGGTGCACGTCCTGGTGCAGCCCGTACA-3'
Protein context (NP_000190.1, residues 98-118): FNSFDKVRSL[Pro108Leu]LLLSQAGVRT

ClinVar aggregate classification (germline): Uncertain significance (1 of 4 stars; one submission).

Conditions:
Mucopolysaccharidosis, MPS-III-A (MPS3A). Also called: Mucopolysaccharidosis type IIIA (Sanfilippo A); Mucopolysaccharidosis, type IIIA; mucopolysaccharidosis type 3A; MPS IIIA (Sanfilippo Syndrome Type A); HEPARAN SULFATE SULFATASE DEFICIENCY; SANFILIPPO SYNDROME A. Identifiers: Orphanet 581, Orphanet 79269, MedGen C0086647, MONDO:0009655, OMIM 252900.

Allele frequency attached by ClinVar (database versions not stated): gnomAD exomes below 0.00001; ExAC 0.00001; TOPMed 0.00001.
gnomAD v4.1: 7 of 1,611,988 alleles (0.00043%); highest among the groups gnomAD compares: Non-Finnish European, 0.00051%; no homozygotes.

Submission:

Labcorp Genetics (formerly Invitae), Labcorp
Classification: Uncertain significance for Mucopolysaccharidosis, MPS-III-A. Last evaluated: 2024-01-22. Review status: criteria provided, single submitter. Criteria: Invitae Variant Classification Sherloc (09022015). Collection method: clinical testing. Allele origin: germline.
Comment: This sequence change replaces proline, which is neutral and non-polar, with leucine, which is neutral and non-polar, at codon 108 of the SGSH protein (p.Pro108Leu). The frequency data for this variant in the population databases is considered unreliable, as metrics indicate poor data quality at this position in the gnomAD database. This variant has not been reported in the literature in individuals affected with SGSH-related conditions. Advanced modeling of protein sequence and biophysical properties (such as structural, functional, and spatial information, amino acid conservation, physicochemical variation, residue mobility, and thermodynamic stability) performed at Invitae indicates that this missense variant is expected to disrupt SGSH protein function with a positive predictive value of 80%. In summary, the available evidence is currently insufficient to determine the role of this variant in disease. Therefore, it has been classified as a Variant of Uncertain Significance.